The following is an entry in ClinVar:

ClinVar aggregate classification (germline): Conflicting classifications of pathogenicity. Review status: criteria provided, conflicting classifications (1 of 4 stars). 2 submissions from 2 submitters: Uncertain significance (1); Likely benign (1). Last evaluated 2026-07-15.

Conditions:
DICER1-related tumor predisposition. Also called: DICER1 syndrome; DICER1-related pleuropulmonary blastoma cancer predisposition syndrome. Identifiers: Orphanet 284343, MedGen C3839822, MONDO:0100216.
Hereditary cancer-predisposing syndrome. Also called: Neoplastic Syndromes, Hereditary; Hereditary Cancer Syndrome; Hereditary neoplastic syndrome; Tumor predisposition. Identifiers: Orphanet 140162, MedGen C0027672, MeSH D009386, MONDO:0015356.

Submissions (2):

Ambry Genetics
Classification: Likely benign for Hereditary cancer-predisposing syndrome. Last evaluated: 2026-07-15. Review status: criteria provided, single submitter. Criteria: Ambry Variant Classification Scheme 2023. Collection method: clinical testing. Allele origin: germline.

Labcorp Genetics (formerly Invitae), Labcorp
Classification: Uncertain significance for DICER1-related tumor predisposition. Last evaluated: 2025-04-28. Review status: criteria provided, single submitter. Criteria: Invitae Variant Classification Sherloc (09022015). Collection method: clinical testing. Allele origin: germline.
Comment: This sequence change affects codon 128 of the DICER1 mRNA. It is a 'silent' change, meaning that it does not change the encoded amino acid sequence of the DICER1 protein. RNA analysis indicates that this variant induces altered splicing and may result in an absent or altered protein product. This variant is not present in population databases (gnomAD no frequency). This variant has not been reported in the literature in individuals affected with DICER1-related conditions. ClinVar contains an entry for this variant (Variation ID: 650953). Studies have shown that this variant results in skipping of exon 4, and produces a non-functional protein and/or introduces a premature termination codon (internal data). In summary, the available evidence is currently insufficient to determine the role of this variant in disease. Therefore, it has been classified as a Variant of Uncertain Significance.

NM_177438.3(DICER1):c.384A>G (p.Glu128=)

Gene: DICER1 (dicer 1, ribonuclease III; minus strand). Cytogenetic location: 14q32.13.
Variant type: single nucleotide variant.
Coding change: c.384A>G on transcript NM_177438.3 (MANE Select); coding-DNA position 384, A replaced by G.
Protein change: p.Glu128=; no amino-acid change (glutamic acid 128 retained).
Molecular consequence: synonymous variant.
Genome position (GRCh38, 1-based): chr14:95,131,563, T>C on the plus strand (A>G on the coding strand, the complement: DICER1 is on the minus strand). VCF-style: chr14-95131563-T-C. GRCh37 (hg19) VCF-style: chr14-95597900-T-C.
Other names: c.384A>G, p.Glu128= (NM_001195573.1, NM_001271282.3, NM_001291628.2 and 1 more transcripts).
Identifiers: ClinVar variation 650953 (VCV000650953.11), dbSNP rs1595462946, ClinGen allele CA487633997.